The following is an entry in ClinVar:

NM_006915.3(RP2):c.995C>T (p.Thr332Met)

Gene: RP2 (RP2 activator of ARL3 GTPase; plus strand). Cytogenetic location: Xp11.3.
Variant type: single nucleotide variant.
Coding change: c.995C>T on transcript NM_006915.3 (MANE Select); coding-DNA position 995, C replaced by T.
Protein change: p.Thr332Met; replaces threonine 332 with methionine.
Molecular consequence: missense variant.
Genome position (GRCh38, 1-based): chrX:46,879,711, C>T. VCF-style: chrX-46879711-C-T. GRCh37 (hg19) VCF-style: chrX-46739146-C-T.
Other names: short protein forms T332M.
Identifiers: ClinVar variation 1421275 (VCV001421275.6), dbSNP rs782385194, ClinGen allele CA10394288.
Genomic context (GRCh38, chrX:46,879,711, plus strand): 5'-ACTGATTTTTTTTTTTAATTTTCTATTTAAAATAGATGTTTGTATCTGAAAGCAAGGAGA[C>T]GGCATCTGGAGATGTAGACAGCTTCTACAACTTTGCTGATATACAGATGGGAATATGAAG-3'
Protein context (NP_008846.2, residues 322-342): TKMFVSESKE[Thr332Met]ASGDVDSFYN

ClinVar aggregate classification (germline): Conflicting classifications of pathogenicity. Review status: criteria provided, conflicting classifications (1 of 4 stars). 2 submissions from 2 submitters: Uncertain significance (1); Likely benign (1). Last evaluated 2022-10-13.

Allele frequency attached by ClinVar (database versions not stated): ExAC 0.00001; gnomAD 0.00002 and 0.00003; gnomAD exomes 0.00002 and 0.00008.
gnomAD v4.1: 95 of 1,193,925 alleles (0.008%); highest among the groups gnomAD compares: Non-Finnish European, 0.01%; no homozygotes.

Submissions (2):

Blueprint Genetics
Classification: Likely benign. Last evaluated: 2022-10-13. Review status: criteria provided, single submitter. Criteria: ACMG Guidelines, 2015. Collection method: clinical testing. Allele origin: germline.

Labcorp Genetics (formerly Invitae), Labcorp
Classification: Uncertain significance. Last evaluated: 2022-07-23. Review status: criteria provided, single submitter. Criteria: Invitae Variant Classification Sherloc (09022015). Collection method: clinical testing. Allele origin: germline.
Comment: This sequence change replaces threonine, which is neutral and polar, with methionine, which is neutral and non-polar, at codon 332 of the RP2 protein (p.Thr332Met). This variant is present in population databases (rs782385194, gnomAD 0.005%). This variant has not been reported in the literature in individuals affected with RP2-related conditions. ClinVar contains an entry for this variant (Variation ID: 1421275). Algorithms developed to predict the effect of missense changes on protein structure and function (SIFT, PolyPhen-2, Align-GVGD) all suggest that this variant is likely to be tolerated. In summary, the available evidence is currently insufficient to determine the role of this variant in disease. Therefore, it has been classified as a Variant of Uncertain Significance.